The following is an entry in ClinVar:

NM_000038.6(APC):c.6746A>G (p.Lys2249Arg)

Gene: APC (APC regulator of Wnt signaling pathway; plus strand). Cytogenetic location: 5q22.2.
Variant type: single nucleotide variant.
Coding change: c.6746A>G on transcript NM_000038.6 (MANE Select); coding-DNA position 6746, A replaced by G.
Protein change: p.Lys2249Arg; replaces lysine 2249 with arginine.
Molecular consequence: missense variant.
Genome position (GRCh38, 1-based): chr5:112,842,340, A>G. VCF-style: chr5-112842340-A-G. GRCh37 (hg19) VCF-style: chr5-112178037-A-G.
Other names: c.6746A>G, p.Lys2249Arg (NM_001127510.3, NM_001354895.2); c.6692A>G, p.Lys2231Arg (NM_001127511.3); c.6800A>G, p.Lys2267Arg (NM_001354896.2); c.6776A>G, p.Lys2259Arg (NM_001354897.2); c.6671A>G, p.Lys2224Arg (NM_001354898.2); c.6662A>G, p.Lys2221Arg (NM_001354899.2); c.6623A>G, p.Lys2208Arg (NM_001354900.2); c.6569A>G, p.Lys2190Arg (NM_001354901.2); and 5 more; short protein forms K1966R, K2089R, K2123R, K2148R, K2158R, K2190R, K2208R, K2221R.
Identifiers: ClinVar variation 984480 (VCV000984480.3), dbSNP rs1766291767, ClinGen allele CA16036075.
Genomic context (GRCh38, chr5:112,842,340, plus strand): 5'-CAATGATTCATATTCCAGGAGTTCGAAATAGCTCCTCAAGTACAAGTCCTGTTTCTAAAA[A>G]AGGCCCACCCCTTAAGACTCCAGCCTCCAAAAGCCCTAGTGAAGGTCAAACAGCCACCAC-3'
Protein context (NP_000029.2, residues 2239-2259): SSSSTSPVSK[Lys2249Arg]GPPLKTPASK

ClinVar aggregate classification (germline): Uncertain significance. Review status: criteria provided, multiple submitters, no conflicts (2 of 4 stars). 2 submissions from 2 submitters: Uncertain significance (2). Last evaluated 2025-08-31.

Conditions:
Hereditary cancer-predisposing syndrome. Also called: Hereditary Cancer Syndrome; Neoplastic Syndromes, Hereditary; Tumor predisposition; Hereditary neoplastic syndrome. Identifiers: Orphanet 140162, MedGen C0027672, MeSH D009386, MONDO:0015356.

gnomAD v4.1: 1 of 1,613,974 alleles (0.000062%); highest among the groups gnomAD compares: Non-Finnish European, 0.000085%; no homozygotes.

Submissions (2):

Ambry Genetics
Classification: Uncertain significance for Hereditary cancer-predisposing syndrome. Last evaluated: 2025-08-31. Review status: criteria provided, single submitter. Criteria: Ambry Variant Classification Scheme 2023. Collection method: clinical testing. Allele origin: germline.
Comment: The p.K2249R variant (also known as c.6746A>G), located in coding exon 15 of the APC gene, results from an A to G substitution at nucleotide position 6746. The lysine at codon 2249 is replaced by arginine, an amino acid with highly similar properties. This amino acid position is conserved. In addition, in silico predictors for this gene do not accurately predict pathogenicity. Based on the available evidence, the clinical significance of this variant remains unclear.

Women's Health and Genetics/Laboratory Corporation of America, LabCorp
Classification: Uncertain significance. Last evaluated: 2021-11-30. Review status: criteria provided, single submitter. Criteria: LabCorp Variant Classification Summary - May 2015. Collection method: clinical testing. Allele origin: germline.
Comment: Variant summary: APC c.6746A>G (p.Lys2249Arg) results in a conservative amino acid change located in the Adenomatous polyposis coli protein basic domain (IPR009234) of the encoded protein sequence. Four of five in-silico tools predict a benign effect of the variant on protein function. The variant was absent in 250926 control chromosomes. The available data on variant occurrences in the general population are insufficient to allow any conclusion about variant significance. To our knowledge, no occurrence of c.6746A>G in individuals affected with Familial Adenomatous Polyposis and no experimental evidence demonstrating its impact on protein function have been reported. No clinical diagnostic laboratories have submitted clinical-significance assessments for this variant to ClinVar after 2014. Based on the evidence outlined above, the variant was classified as uncertain significance.